The following is an entry in ClinVar:

NM_021870.3(FGG):c.577T>C (p.Tyr193His)

Gene: FGG (fibrinogen gamma chain; minus strand). Cytogenetic location: 4q32.1.
Variant type: single nucleotide variant.
Coding change: c.577T>C on transcript NM_021870.3 (MANE Select); coding-DNA position 577, T replaced by C.
Protein change: p.Tyr193His; replaces tyrosine 193 with histidine.
Molecular consequence: missense variant.
Genome position (GRCh38, 1-based): chr4:154,609,719, A>G on the plus strand (T>C on the coding strand, the complement: FGG is on the minus strand). VCF-style: chr4-154609719-A-G. GRCh37 (hg19) VCF-style: chr4-155530871-A-G.
Other names: c.577T>C, p.Tyr193His (NM_000509.6); short protein forms Y193H.
Identifiers: ClinVar variation 3668104 (VCV003668104.2).

ClinVar aggregate classification (germline): Uncertain significance (1 of 4 stars; one submission).

gnomAD v4.1: 25 of 1,613,912 alleles (0.0015%); highest among the groups gnomAD compares: Admixed American, 0.038%; no homozygotes.

Submission:

Labcorp Genetics (formerly Invitae), Labcorp
Classification: Uncertain significance. Last evaluated: 2024-04-15. Review status: criteria provided, single submitter. Criteria: Invitae Variant Classification Sherloc (09022015). Collection method: clinical testing. Allele origin: germline.
Comment: This sequence change replaces tyrosine, which is neutral and polar, with histidine, which is basic and polar, at codon 193 of the FGG protein (p.Tyr193His). This variant is present in population databases (rs776288074, gnomAD 0.06%). This variant has not been reported in the literature in individuals affected with FGG-related conditions. Advanced modeling of protein sequence and biophysical properties (such as structural, functional, and spatial information, amino acid conservation, physicochemical variation, residue mobility, and thermodynamic stability) has been performed at Invitae for this missense variant, however the output from this modeling did not meet the statistical confidence thresholds required to predict the impact of this variant on FGG protein function. In summary, the available evidence is currently insufficient to determine the role of this variant in disease. Therefore, it has been classified as a Variant of Uncertain Significance.